The following is an entry in ClinVar:

NM_000038.6(APC):c.4162A>G (p.Thr1388Ala)

Gene: APC (APC regulator of Wnt signaling pathway; plus strand). Cytogenetic location: 5q22.2.
Variant type: single nucleotide variant.
Coding change: c.4162A>G on transcript NM_000038.6 (MANE Select); coding-DNA position 4162, A replaced by G.
Protein change: p.Thr1388Ala; replaces threonine 1388 with alanine.
Molecular consequence: missense variant.
Genome position (GRCh38, 1-based): chr5:112,839,756, A>G. VCF-style: chr5-112839756-A-G. GRCh37 (hg19) VCF-style: chr5-112175453-A-G.
Other names: c.4162A>G, p.Thr1388Ala (NM_001127510.3, NM_001354895.2); c.4108A>G, p.Thr1370Ala (NM_001127511.3); c.4216A>G, p.Thr1406Ala (NM_001354896.2); c.4192A>G, p.Thr1398Ala (NM_001354897.2); c.4087A>G, p.Thr1363Ala (NM_001354898.2); c.4078A>G, p.Thr1360Ala (NM_001354899.2); c.4039A>G, p.Thr1347Ala (NM_001354900.2); c.3985A>G, p.Thr1329Ala (NM_001354901.2); and 5 more; short protein forms T1262A, T1329A, T1363A, T1406A, T1287A, T1360A, T1370A, T1228A.
Identifiers: ClinVar variation 1432858 (VCV001432858.7), dbSNP rs1269810575, ClinGen allele CA16030452.

ClinVar aggregate classification (germline): Uncertain significance. Review status: criteria provided, multiple submitters, no conflicts (2 of 4 stars). 2 submissions from 2 submitters: Uncertain significance (2). Last evaluated 2022-05-04.

Conditions:
Familial adenomatous polyposis 1 (FAP1). Also called: POLYPOSIS, ADENOMATOUS INTESTINAL; FAMILIAL ADENOMATOUS POLYPOSIS 1, ATTENUATED. Identifiers: MedGen C2713442, MONDO:0021056, OMIM 175100. Disease mechanism: loss of function.

Submissions (2):

Mendelics
Classification: Uncertain significance. Last evaluated: 2022-05-04. Review status: criteria provided, single submitter. Criteria: Mendelics Assertion Criteria 2019. Collection method: clinical testing. Allele origin: germline.

Labcorp Genetics (formerly Invitae), Labcorp
Classification: Uncertain significance for Familial adenomatous polyposis 1. Last evaluated: 2021-08-02. Review status: criteria provided, single submitter. Criteria: Invitae Variant Classification Sherloc (09022015). Collection method: clinical testing. Allele origin: germline.
Comment: In summary, the available evidence is currently insufficient to determine the role of this variant in disease. Therefore, it has been classified as a Variant of Uncertain Significance. Algorithms developed to predict the effect of missense changes on protein structure and function (SIFT, PolyPhen-2, Align-GVGD) all suggest that this variant is likely to be disruptive. This variant has not been reported in the literature in individuals affected with APC-related conditions. This variant is not present in population databases (ExAC no frequency). This sequence change replaces threonine with alanine at codon 1388 of the APC protein (p.Thr1388Ala). The threonine residue is highly conserved and there is a small physicochemical difference between threonine and alanine.